The following is an entry in ClinVar:

NM_003098.3(SNTA1):c.1426-1G>A

Gene: SNTA1 (syntrophin alpha 1; minus strand). Cytogenetic location: 20q11.21.
Variant type: single nucleotide variant.
Coding change: c.1426-1G>A on transcript NM_003098.3 (MANE Select); the canonical splice acceptor site of the intron before coding-DNA position 1426, G replaced by A.
Molecular consequence: splice acceptor variant.
Genome position (GRCh38, 1-based): chr20:33,408,600, C>T on the plus strand (G>A on the coding strand, the complement: SNTA1 is on the minus strand). VCF-style: chr20-33408600-C-T. GRCh37 (hg19) VCF-style: chr20-31996406-C-T.
Identifiers: ClinVar variation 2562671 (VCV002562671.2), dbSNP rs1234489874, ClinGen allele CA408630055.

ClinVar aggregate classification (germline): Uncertain significance (1 of 4 stars; one submission).

Conditions:
Cardiovascular phenotype. Identifiers: MedGen CN230736.

Allele frequency attached by ClinVar (database versions not stated): gnomAD exomes 0.00001.

Submission:

Ambry Genetics
Classification: Uncertain significance for Cardiovascular phenotype. Last evaluated: 2023-03-23. Review status: criteria provided, single submitter. Criteria: Ambry Variant Classification Scheme 2023. Collection method: clinical testing. Allele origin: germline.
Comment: The c.1426-1G>A intronic variant results from a G to A substitution one nucleotide upstream from coding exon 8 of the SNTA1 gene. This nucleotide position is highly conserved in available vertebrate species. In silico splice site analysis predicts that this alteration will weaken the native splice acceptor site. Alterations that disrupt the canonical splice site are expected to cause aberrant splicing, resulting in an abnormal protein or a transcript that is subject to nonsense-mediated mRNA decay. However, the evidence for this gene-disease relationship is limited; therefore, the clinical significance of this alteration is unclear.